The following is an entry in ClinVar:

NM_000094.4(COL7A1):c.7169A>G (p.Asp2390Gly)

Gene: COL7A1 (collagen type VII alpha 1 chain; minus strand). Cytogenetic location: 3p21.31.
Variant type: single nucleotide variant.
Coding change: c.7169A>G on transcript NM_000094.4 (MANE Select); coding-DNA position 7169, A replaced by G.
Protein change: p.Asp2390Gly; replaces aspartic acid 2390 with glycine.
Molecular consequence: missense variant.
Genome position (GRCh38, 1-based): chr3:48,570,964, T>C on the plus strand (A>G on the coding strand, the complement: COL7A1 is on the minus strand). VCF-style: chr3-48570964-T-C. GRCh37 (hg19) VCF-style: chr3-48608397-T-C.
Other names: short protein forms D2390G.
Identifiers: ClinVar variation 1363314 (VCV001363314.8), dbSNP rs2107649138, ClinGen allele CA352650699.

ClinVar aggregate classification (germline): Uncertain significance (1 of 4 stars; one submission).

Allele frequency attached by ClinVar (database versions not stated): gnomAD exomes below 0.00001.
gnomAD v4.1: 3 of 1,613,222 alleles (0.00019%); highest among the groups gnomAD compares: Admixed American, 0.0017%; no homozygotes.

Submission:

Labcorp Genetics (formerly Invitae), Labcorp
Classification: Uncertain significance. Last evaluated: 2025-01-08. Review status: criteria provided, single submitter. Criteria: Invitae Variant Classification Sherloc (09022015). Collection method: clinical testing. Allele origin: germline.
Comment: This sequence change replaces aspartic acid, which is acidic and polar, with glycine, which is neutral and non-polar, at codon 2390 of the COL7A1 protein (p.Asp2390Gly). This variant is not present in population databases (gnomAD no frequency). This variant has not been reported in the literature in individuals affected with COL7A1-related conditions. ClinVar contains an entry for this variant (Variation ID: 1363314). Invitae Evidence Modeling of protein sequence and biophysical properties (such as structural, functional, and spatial information, amino acid conservation, physicochemical variation, residue mobility, and thermodynamic stability) has been performed for this missense variant. However, the output from this modeling did not meet the statistical confidence thresholds required to predict the impact of this variant on COL7A1 protein function. In summary, the available evidence is currently insufficient to determine the role of this variant in disease. Therefore, it has been classified as a Variant of Uncertain Significance.